The following is an entry in ClinVar:

ClinVar aggregate classification (germline): Likely benign. Review status: criteria provided, single submitter (1 of 4 stars). 2 submissions from 2 submitters: Likely benign (1). 1 of the submissions does not count toward it. Last evaluated 2025-12-23.

Conditions:
DSCAML1-related disorder. Also called: DSCAML1-related condition.

Allele frequency attached by ClinVar (database versions not stated): gnomAD exomes 0.00027; ExAC 0.00034; ESP Exome Variant Server 0.00039; gnomAD 0.00042 and 0.00045; TOPMed 0.00045; 1000 Genomes Project 30x 0.00047; 1000 Genomes Project 0.00060.
gnomAD v4.1: 281 of 1,604,670 alleles (0.018%); highest among the groups gnomAD compares: African/African-American, 0.11%; no homozygotes.

Submissions (2):

Labcorp Genetics (formerly Invitae), Labcorp
Classification: Likely benign. Last evaluated: 2025-12-23. Review status: criteria provided, single submitter. Criteria: Invitae Variant Classification Sherloc (09022015). Collection method: clinical testing. Allele origin: germline.

PreventionGenetics, part of Exact Sciences
Classification: Likely benign for DSCAML1-related condition. Last evaluated: 2019-04-30. Review status: no assertion criteria provided. Collection method: clinical testing. Allele origin: germline. Not counted in ClinVar's aggregate classification.
Comment: This variant is classified as likely benign based on ACMG/AMP sequence variant interpretation guidelines (Richards et al. 2015 PMID: 25741868, with internal and published modifications).

NM_020693.4(DSCAML1):c.726C>T (p.Thr242=)

Gene: DSCAML1 (DS cell adhesion molecule like 1; minus strand). Cytogenetic location: 11q23.3.
Variant type: single nucleotide variant.
Coding change: c.726C>T on transcript NM_020693.4 (MANE Select); coding-DNA position 726, C replaced by T.
Protein change: p.Thr242=; no amino-acid change (threonine 242 retained).
Molecular consequence: synonymous variant.
Genome position (GRCh38, 1-based): chr11:117,525,016, G>A on the plus strand (C>T on the coding strand, the complement: DSCAML1 is on the minus strand). VCF-style: chr11-117525016-G-A. GRCh37 (hg19) VCF-style: chr11-117395731-G-A.
Other names: c.726C>T, p.Thr242= (NM_001367904.1); c.318C>T, p.Thr106= (NM_001367905.1); c.906C>T (NM_020693.3).
Identifiers: ClinVar variation 1537182 (VCV001537182.10), dbSNP rs150802427, ClinGen allele CA6297465.